The following is an entry in ClinVar:

ClinVar aggregate classification (germline): Uncertain significance (1 of 4 stars; one submission).

Allele frequency attached by ClinVar (database versions not stated): gnomAD exomes below 0.00001.
gnomAD v4.1: 3 of 1,613,362 alleles (0.00019%); highest among the groups gnomAD compares: Non-Finnish European, 0.00025%; no homozygotes.

Submission:

Labcorp Genetics (formerly Invitae), Labcorp
Classification: Uncertain significance. Last evaluated: 2022-06-05. Review status: criteria provided, single submitter. Criteria: Invitae Variant Classification Sherloc (09022015). Collection method: clinical testing. Allele origin: germline.
Comment: In summary, the available evidence is currently insufficient to determine the role of this variant in disease. Therefore, it has been classified as a Variant of Uncertain Significance. Algorithms developed to predict the effect of missense changes on protein structure and function (SIFT, PolyPhen-2, Align-GVGD) all suggest that this variant is likely to be disruptive. This missense change has been observed in individual(s) with hypogonadotropic hypogonadism (Invitae). This variant is not present in population databases (gnomAD no frequency). This sequence change replaces histidine, which is basic and polar, with arginine, which is basic and polar, at codon 173 of the FGF17 protein (p.His173Arg).

NM_003867.4(FGF17):c.518A>G (p.His173Arg)

Gene: FGF17 (fibroblast growth factor 17; plus strand). Cytogenetic location: 8p21.3.
Variant type: single nucleotide variant.
Coding change: c.518A>G on transcript NM_003867.4 (MANE Select); coding-DNA position 518, A replaced by G.
Protein change: p.His173Arg; replaces histidine 173 with arginine.
Molecular consequence: missense variant.
Genome position (GRCh38, 1-based): chr8:22,048,116, A>G. VCF-style: chr8-22048116-A-G. GRCh37 (hg19) VCF-style: chr8-21905627-A-G.
Other names: c.485A>G, p.His162Arg (NM_001304478.1); short protein forms H162R, H173R.
Identifiers: ClinVar variation 2091681 (VCV002091681.4), dbSNP rs2536924389, ClinGen allele CA370509433.
Genomic context (GRCh38, chr8:22,048,116, plus strand): 5'-TCACGCGGCAGGGGCGGCCCCGCCAGGCTTCCCGCAGCCGCCAGAACCAGCGCGAGGCCC[A>G]CTTCATCAAGCGCCTCTACCAAGGCCAGCTGCCCTTCCCCAACCACGCCGAGAAGCAGAA-3'
Protein context (NP_003858.1, residues 163-183): SRSRQNQREA[His173Arg]FIKRLYQGQL